The following is an entry in ClinVar:

ClinVar aggregate classification (germline): Uncertain significance (1 of 4 stars; one submission).

Conditions:
Ulnar-mammary syndrome (UMS). Also called: SCHINZEL SYNDROME; Ulnar-mammary syndrome of Pallister; PALLISTER ULNAR-MAMMARY SYNDROME. Identifiers: Orphanet 3138, MedGen C1866994, MONDO:0008411, OMIM 181450.

gnomAD v4.1: 2 of 1,613,886 alleles (0.00012%); highest among the groups gnomAD compares: Non-Finnish European, 0.00017%; no homozygotes.

Submission:

MVZ Medizinische Genetik Mainz
Classification: Uncertain significance for Ulnar-mammary syndrome. Last evaluated: 2022-06-03. Review status: criteria provided, single submitter. Criteria: UK Practice Guidelines For Variant Classification V4 01 2020. Collection method: clinical testing. Allele origin: germline. Inheritance: Autosomal dominant inheritance. Affected: yes. Observed: 1 variant allele.
Comment: ACMG Criteria: PM1_SUP, PM2_SUP, PP3

NM_005996.4(TBX3):c.412G>A (p.Val138Met)

Gene: TBX3 (T-box transcription factor 3; minus strand). Cytogenetic location: 12q24.21.
Variant type: single nucleotide variant.
Coding change: c.412G>A on transcript NM_005996.4 (MANE Select); coding-DNA position 412, G replaced by A.
Protein change: p.Val138Met; replaces valine 138 with methionine.
Molecular consequence: missense variant.
Genome position (GRCh38, 1-based): chr12:114,681,124, C>T on the plus strand (G>A on the coding strand, the complement: TBX3 is on the minus strand). VCF-style: chr12-114681124-C-T. GRCh37 (hg19) VCF-style: chr12-115118929-C-T.
Other names: c.412G>A, p.Val138Met (NM_016569.4); short protein forms V138M.
Identifiers: ClinVar variation 3066167 (VCV003066167.1), dbSNP rs2499797131, ClinGen allele CA386871982.